The following is an entry in ClinVar:

ClinVar aggregate classification (germline): Uncertain significance (1 of 4 stars; one submission).

Conditions:
Familial thoracic aortic aneurysm and aortic dissection (TAAD). Also called: Thoracic aortic aneurysms and dissections. Identifiers: Orphanet 91387, MedGen C4707243, MONDO:0019625.

Allele frequency attached by ClinVar (database versions not stated): gnomAD exomes below 0.00001.
gnomAD v4.1: 6 of 1,614,204 alleles (0.00037%); highest among the groups gnomAD compares: Non-Finnish European, 0.00051%; no homozygotes.

Submission:

Color Diagnostics, LLC DBA Color Health
Classification: Uncertain significance for Familial thoracic aortic aneurysm and aortic dissection. Last evaluated: 2023-12-04. Review status: criteria provided, single submitter. Criteria: ACMG Guidelines, 2015. Collection method: clinical testing. Allele origin: germline.
Comment: This missense variant replaces arginine with lysine at codon 1478 of the MYH11 protein. Computational prediction tools and conservation analyses are inconclusive regarding the impact of this variant on protein structure and function. Splice site prediction tools suggest that this variant may not impact RNA splicing. To our knowledge, functional studies have not been performed for this variant. This variant has not been reported in individuals affected with cardiovascular disorders in the literature. This variant has not been identified in the general population by the Genome Aggregation Database (gnomAD). The available evidence is insufficient to determine the role of this variant in disease conclusively. Therefore, this variant is classified as a Variant of Uncertain Significance.

NM_002474.3(MYH11):c.4412G>A (p.Arg1471Lys)

Genes: NDE1 (nudE neurodevelopment protein 1; plus strand), MYH11 (myosin heavy chain 11; minus strand). Cytogenetic location: 16p13.11.
Variant type: single nucleotide variant.
Coding change: c.4412G>A on transcript NM_002474.3 (MANE Select); coding-DNA position 4412, G replaced by A.
Protein change: p.Arg1471Lys; replaces arginine 1471 with lysine.
Molecular consequence: missense variant. On other transcripts: intron variant (2).
Genome position (GRCh38, 1-based): chr16:15,721,588, C>T on the plus strand (G>A on the coding strand, the complement: MYH11 is on the minus strand). VCF-style: chr16-15721588-C-T. GRCh37 (hg19) VCF-style: chr16-15815445-C-T.
Other names: c.4433G>A, p.Arg1478Lys (NM_001040113.2, NM_001040114.2); c.4412G>A, p.Arg1471Lys (NM_022844.3); c.948-2603C>T (NM_001143979.2, NM_017668.3); short protein forms R1478K, R1471K.
Identifiers: ClinVar variation 918424 (VCV000918424.5), dbSNP rs2040487068, ClinGen allele CA394855485.